The following is an entry in ClinVar:

NM_001363711.2(DUOX2):c.2788_2796del (p.Asp930_Asp932del)

Gene: DUOX2 (dual oxidase 2; minus strand). Cytogenetic location: 15q21.1.
Variant type: Deletion.
Coding change: c.2788_2796del on transcript NM_001363711.2 (MANE Select); coding-DNA positions 2788 to 2796, 9 bases deleted (GACCATGAC; older notation c.2788_2796delGACCATGAC).
Protein change: p.Asp930_Asp932del.
Genome position (GRCh38, 1-based): chr15:45,101,848-45,101,856, GTCATGGTC deleted on the plus strand (GACCATGAC on the coding strand, the reverse complement: DUOX2 is on the minus strand). VCF-style (leftmost placement, unchanged base first): chr15-45101847-TGTCATGGTC-T. GRCh37 (hg19) VCF-style: chr15-45394045-TGTCATGGTC-T.
Other names: c.2788_2796del, p.Asp930_Asp932del (NM_014080.5).
Identifiers: ClinVar variation 4811440 (VCV004811440.1).

ClinVar aggregate classification (germline): Uncertain significance (1 of 4 stars; one submission).

Submission:

Labcorp Genetics (formerly Invitae), Labcorp
Classification: Uncertain significance. Last evaluated: 2025-08-19. Review status: criteria provided, single submitter. Criteria: Invitae Variant Classification Sherloc (09022015). Collection method: clinical testing. Allele origin: germline.
Comment: This variant, c.2788_2796del, results in the deletion of 3 amino acid(s) of the DUOX2 protein (p.Asp930_Asp932del), but otherwise preserves the integrity of the reading frame. This variant is not present in population databases (gnomAD no frequency). This variant has not been reported in the literature in individuals affected with DUOX2-related conditions. Experimental studies and prediction algorithms are not available or were not evaluated, and the functional significance of this variant is currently unknown. In summary, the available evidence is currently insufficient to determine the role of this variant in disease. Therefore, it has been classified as a Variant of Uncertain Significance.